The following is an entry in ClinVar:

ClinVar aggregate classification (germline): Conflicting classifications of pathogenicity. Review status: criteria provided, conflicting classifications (1 of 4 stars). 2 submissions from 2 submitters: Uncertain significance (1); Likely benign (1). Last evaluated 2025-06-26.

Allele frequency attached by ClinVar (database versions not stated): gnomAD exomes 0.00003 and 0.00008; ExAC 0.00011; 1000 Genomes Project 30x 0.00016; 1000 Genomes Project 0.00020; gnomAD 0.00043 and 0.00046; ESP Exome Variant Server 0.00046; TOPMed 0.00048.
gnomAD v4.1: 115 of 1,614,118 alleles (0.0071%); highest among the groups gnomAD compares: African/African-American, 0.13%; no homozygotes.

Submissions (2):

Women's Health and Genetics/Laboratory Corporation of America, LabCorp
Classification: Uncertain significance. Last evaluated: 2025-06-26. Review status: criteria provided, single submitter. Criteria: LabCorp Variant Classification Summary - May 2015. Collection method: clinical testing. Allele origin: germline.
Comment: Variant summary: ERCC6 c.-11G>C is located in the untranslated mRNA region upstream of the initiation codon. The variant allele was found at a frequency of 8.4e-05 in 251248 control chromosomes (gnomAD). This frequency is not significantly higher than estimated for a pathogenic variant in ERCC6 causing Cerebrooculofacioskeletal Syndrome 1, allowing no conclusion about variant significance. To our knowledge, no occurrence of c.-11G>C in individuals affected with Cerebrooculofacioskeletal Syndrome 1 and no experimental evidence demonstrating its impact on protein function have been reported. ClinVar contains an entry for this variant (Variation ID: 1216402). Based on the evidence outlined above, the variant was classified as uncertain significance.

GeneDx
Classification: Likely benign. Last evaluated: 2019-11-11. Review status: criteria provided, single submitter. Criteria: GeneDx Variant Classification Process June 2021. Collection method: clinical testing. Allele origin: germline. Affected: yes.

NM_000124.4(ERCC6):c.-11G>C

Gene: ERCC6 (ERCC excision repair 6, chromatin remodeling factor; minus strand). Cytogenetic location: 10q11.23.
Variant type: single nucleotide variant.
Coding change: c.-11G>C on transcript NM_000124.4 (MANE Select); 11 bases upstream of the start codon, G replaced by C.
Molecular consequence: 5 prime UTR variant. On other transcripts: splice acceptor variant (1).
Genome position (GRCh38, 1-based): chr10:49,532,975, C>G on the plus strand (G>C on the coding strand, the complement: ERCC6 is on the minus strand). VCF-style: chr10-49532975-C-G. GRCh37 (hg19) VCF-style: chr10-50741021-C-G.
Other names: c.-11G>C (NM_001277058.2, NM_001277059.2); c.-10-1G>C (NM_001346440.2).
Identifiers: ClinVar variation 1216402 (VCV001216402.4), dbSNP rs4253012, ClinGen allele CA5496640.